The following is an entry in ClinVar:

NM_001009999.3(KDM1A):c.1734+8T>G

Gene: KDM1A (lysine demethylase 1A; plus strand). Cytogenetic location: 1p36.12.
Variant type: single nucleotide variant.
Coding change: c.1734+8T>G on transcript NM_001009999.3 (MANE Select); 8 bases into the intron after coding-DNA position 1734, T replaced by G.
Molecular consequence: intron variant.
Genome position (GRCh38, 1-based): chr1:23,073,411, T>G. VCF-style: chr1-23073411-T-G. GRCh37 (hg19) VCF-style: chr1-23399904-T-G.
Other names: c.1734+8T>G (NM_001009999.2); c.1740+8T>G (NM_001410762.1); c.1680+8T>G (NM_001363654.2); c.1662+8T>G (NM_001410763.1, NM_015013.4).
Identifiers: ClinVar variation 2894611 (VCV002894611.4), dbSNP rs571596341, ClinGen allele CA679801.

ClinVar aggregate classification (germline): Benign/Likely benign. Review status: criteria provided, multiple submitters, no conflicts (2 of 4 stars). 2 submissions from 2 submitters: Benign (1); Likely benign (1). Last evaluated 2025-06-18.

Conditions:
KDM1A-related disorder. Also called: KDM1A-related condition.

Allele frequency attached by ClinVar (database versions not stated): TOPMed below 0.00001; gnomAD 0.00004; 1000 Genomes Project 30x 0.00016; 1000 Genomes Project 0.00020; ExAC 0.00031.
gnomAD v4.1: 184 of 1,436,582 alleles (0.013%); highest among the groups gnomAD compares: South Asian, 0.2%; no homozygotes.

Submissions (2):

PreventionGenetics, part of Exact Sciences
Classification: Likely benign for KDM1A-related condition. Last evaluated: 2025-06-18. Review status: criteria provided, single submitter. Criteria: ACMG Guidelines, 2015. Collection method: clinical testing. Allele origin: germline.
Comment: This variant is classified as likely benign based on ACMG/AMP sequence variant interpretation guidelines (Richards et al. 2015 PMID: 25741868, with internal and published modifications).

Labcorp Genetics (formerly Invitae), Labcorp
Classification: Benign. Last evaluated: 2022-11-02. Review status: criteria provided, single submitter. Criteria: Invitae Variant Classification Sherloc (09022015). Collection method: clinical testing. Allele origin: germline.